The following is an entry in ClinVar:

ClinVar aggregate classification (germline): Uncertain significance (1 of 4 stars; one submission).

gnomAD v4.1: 1 of 1,612,612 alleles (0.000062%); no homozygotes.

Submission:

Labcorp Genetics (formerly Invitae), Labcorp
Classification: Uncertain significance. Last evaluated: 2025-02-28. Review status: criteria provided, single submitter. Criteria: Invitae Variant Classification Sherloc (09022015). Collection method: clinical testing. Allele origin: germline.
Comment: This sequence change replaces glutamine, which is neutral and polar, with proline, which is neutral and non-polar, at codon 181 of the MS4A1 protein (p.Gln181Pro). This variant is not present in population databases (gnomAD no frequency). This variant has not been reported in the literature in individuals affected with MS4A1-related conditions. An algorithm developed to predict the effect of missense changes on protein structure and function outputs the following: PolyPhen-2: "Benign". The proline amino acid residue is found in multiple mammalian species, which suggests that this missense change does not adversely affect protein function. In summary, the available evidence is currently insufficient to determine the role of this variant in disease. Therefore, it has been classified as a Variant of Uncertain Significance.

NM_152866.3(MS4A1):c.542A>C (p.Gln181Pro)

Gene: MS4A1 (membrane spanning 4-domains A1; plus strand). Cytogenetic location: 11q12.2.
Variant type: single nucleotide variant.
Coding change: c.542A>C on transcript NM_152866.3 (MANE Select); coding-DNA position 542, A replaced by C.
Protein change: p.Gln181Pro; replaces glutamine 181 with proline.
Molecular consequence: missense variant.
Genome position (GRCh38, 1-based): chr11:60,466,126, A>C. VCF-style: chr11-60466126-A-C. GRCh37 (hg19) VCF-style: chr11-60233599-A-C.
Other names: c.542A>C, p.Gln181Pro (NM_021950.4, NM_152867.2); short protein forms Q181P.
Identifiers: ClinVar variation 3710151 (VCV003710151.2).
Genomic context (GRCh38, chr11:60,466,126, plus strand): 5'-ATATTAACATATACAACTGTGAACCAGCTAATCCCTCTGAGAAAAACTCCCCATCTACCC[A>C]ATACTGTTACAGCATACAATCTCTGTTCTTGGTAAGTGTTCTTGGTAAGTGTGAGATTGG-3'
Protein context (NP_690605.1, residues 171-191): NPSEKNSPST[Gln181Pro]YCYSIQSLFL